The following is an entry in ClinVar:

ClinVar aggregate classification (germline): Uncertain significance (1 of 4 stars; one submission).

Allele frequency attached by ClinVar (database versions not stated): TOPMed below 0.00001; gnomAD 0.00001; gnomAD exomes 0.00001.

Submission:

Labcorp Genetics (formerly Invitae), Labcorp
Classification: Uncertain significance. Last evaluated: 2025-06-04. Review status: criteria provided, single submitter. Criteria: Invitae Variant Classification Sherloc (09022015). Collection method: clinical testing. Allele origin: germline.
Comment: This sequence change replaces leucine, which is neutral and non-polar, with phenylalanine, which is neutral and non-polar, at codon 67 of the DSCAML1 protein (p.Leu67Phe). This variant is not present in population databases (gnomAD no frequency). This variant has not been reported in the literature in individuals affected with DSCAML1-related conditions. ClinVar contains an entry for this variant (Variation ID: 1517033). An algorithm developed to predict the effect of missense changes on protein structure and function (PolyPhen-2) suggests that this variant is likely to be tolerated. In summary, the available evidence is currently insufficient to determine the role of this variant in disease. Therefore, it has been classified as a Variant of Uncertain Significance.

NM_020693.4(DSCAML1):c.19C>T (p.Leu7Phe)

Gene: DSCAML1 (DS cell adhesion molecule like 1; minus strand). Cytogenetic location: 11q23.3.
Variant type: single nucleotide variant.
Coding change: c.19C>T on transcript NM_020693.4 (MANE Select); coding-DNA position 19, C replaced by T.
Protein change: p.Leu7Phe; replaces leucine 7 with phenylalanine.
Molecular consequence: missense variant. On other transcripts: intron variant (1).
Genome position (GRCh38, 1-based): chr11:117,797,061, G>A on the plus strand (C>T on the coding strand, the complement: DSCAML1 is on the minus strand). VCF-style: chr11-117797061-G-A. GRCh37 (hg19) VCF-style: chr11-117667776-G-A.
Other names: c.19C>T, p.Leu7Phe (NM_001367904.1); c.-362-16251C>T (NM_001367905.1); short protein forms L7F.
Identifiers: ClinVar variation 1517033 (VCV001517033.6), dbSNP rs1054393125, ClinGen allele CA229418195.